The following is an entry in ClinVar:

ClinVar aggregate classification (germline): Pathogenic (1 of 4 stars; one submission).

Conditions:
Hypophosphatasia. Also called: Phosphoethanol-aminuria. Identifiers: Orphanet 436, MedGen C0020630, MeSH D007014, MONDO:0018570.

Submission:

Genomenon, Inc
Classification: Pathogenic for Hypophosphatasia. Last evaluated: 2025-08-29. Review status: criteria provided, single submitter. Criteria: Genomenon Sequence Variant Interpretation Standards. Collection method: curation. Allele origin: germline. Affected: yes.
Comment: ALPL p.Val50AlafsTer20 (c.144_148dup) is a frameshift variant that results in the production of a truncated protein which is predicted to undergo nonsense-mediated mRNA decay. This variant has been observed in at least one proband affected with hypophosphatasia (PMID:36361766). It is absent or not present at a significant frequency in gnomAD. In conclusion, we classify ALPL p.Val50AlafsTer20 (c.144_148dup) as a pathogenic variant.

Literature cited by the submitters: PubMed 36361766.

NM_000478.6(ALPL):c.144_148dup (p.Val50fs)

Gene: ALPL (alkaline phosphatase, biomineralization associated; plus strand). Cytogenetic location: 1p36.12.
Variant type: Duplication.
Coding change: c.144_148dup on transcript NM_000478.6 (MANE Select); coding-DNA positions 144 to 148, 5 bases duplicated (CAACG; older notation c.144_148dupCAACG).
Protein change: p.Val50fs; shifts the reading frame from valine 50.
Molecular consequence: frameshift variant. On other transcripts: 5 prime UTR variant (1).
Genome position (GRCh38, 1-based): chr1:21,560,708-21,560,712, CAACG duplicated. VCF-style (leftmost placement, unchanged base first): chr1-21560707-C-CCAACG. GRCh37 (hg19) VCF-style: chr1-21887200-C-CCAACG.
Other names: c.-22_-18dup (NM_001127501.4); c.29_33dup, p.Trp12fs (NM_001177520.3); c.144_148dup, p.Val50fs (NM_001369803.2, NM_001369804.2, NM_001369805.2); short protein forms V50fs, W12fs.
Identifiers: ClinVar variation 4086861 (VCV004086861.1).